The following is an entry in ClinVar:

NM_002485.5(NBN):c.806G>A (p.Cys269Tyr)

Gene: NBN (nibrin; minus strand). Cytogenetic location: 8q21.3.
Variant type: single nucleotide variant.
Coding change: c.806G>A on transcript NM_002485.5 (MANE Select); coding-DNA position 806, G replaced by A.
Protein change: p.Cys269Tyr; replaces cysteine 269 with tyrosine.
Molecular consequence: missense variant.
Genome position (GRCh38, 1-based): chr8:89,970,454, C>T on the plus strand (G>A on the coding strand, the complement: NBN is on the minus strand). VCF-style: chr8-89970454-C-T. GRCh37 (hg19) VCF-style: chr8-90982682-C-T.
Other names: c.560G>A, p.Cys187Tyr (NM_001024688.3); short protein forms C269Y, C187Y.
Identifiers: ClinVar variation 239207 (VCV000239207.18), dbSNP rs768822147, ClinGen allele CA10582601.

ClinVar aggregate classification (germline): Uncertain significance. Review status: criteria provided, multiple submitters, no conflicts (2 of 4 stars). 3 submissions from 3 submitters: Uncertain significance (3). Last evaluated 2025-04-07.

Conditions:
Hereditary cancer-predisposing syndrome. Also called: Neoplastic Syndromes, Hereditary; Tumor predisposition; Hereditary neoplastic syndrome; Hereditary Cancer Syndrome. Identifiers: Orphanet 140162, MedGen C0027672, MeSH D009386, MONDO:0015356.
Microcephaly, normal intelligence and immunodeficiency (NBS). Also called: Ataxia telangiectasia variant V1; Nijmegen breakage syndrome; Microcephaly with normal intelligence immunodeficiency and lymphoreticular malignancies; Nonsyndromal microcephaly autosomal recessive with normal intelligence; Seemanova syndrome 2; IMMUNODEFICIENCY, MICROCEPHALY, AND CHROMOSOMAL INSTABILITY. Identifiers: Orphanet 647, MedGen C0398791, MONDO:0009623, OMIM 251260.

Allele frequency attached by ClinVar (database versions not stated): gnomAD 0.00001; TOPMed 0.00001.
gnomAD v4.1: 4 of 1,613,930 alleles (0.00025%); highest among the groups gnomAD compares: African/African-American, 0.0013%; no homozygotes.

Submissions (3):

Labcorp Genetics (formerly Invitae), Labcorp
Classification: Uncertain significance for Microcephaly, normal intelligence and immunodeficiency. Last evaluated: 2025-04-07. Review status: criteria provided, single submitter. Criteria: Invitae Variant Classification Sherloc (09022015). Collection method: clinical testing. Allele origin: germline.
Comment: This sequence change replaces cysteine, which is neutral and slightly polar, with tyrosine, which is neutral and polar, at codon 269 of the NBN protein (p.Cys269Tyr). This variant is not present in population databases (gnomAD no frequency). This variant has not been reported in the literature in individuals affected with NBN-related conditions. ClinVar contains an entry for this variant (Variation ID: 239207). An algorithm developed to predict the effect of missense changes on protein structure and function (PolyPhen-2) suggests that this variant is likely to be disruptive. In summary, the available evidence is currently insufficient to determine the role of this variant in disease. Therefore, it has been classified as a Variant of Uncertain Significance.

Ambry Genetics
Classification: Uncertain significance for Hereditary cancer-predisposing syndrome. Last evaluated: 2024-09-12. Review status: criteria provided, single submitter. Criteria: Ambry Variant Classification Scheme 2023. Collection method: clinical testing. Allele origin: germline.
Comment: The p.C269Y variant (also known as c.806G>A), located in coding exon 7 of the NBN gene, results from a G to A substitution at nucleotide position 806. The cysteine at codon 269 is replaced by tyrosine, an amino acid with highly dissimilar properties. This amino acid position is highly conserved in available vertebrate species. In addition, this alteration is predicted to be deleterious by in silico analysis. Since supporting evidence is limited at this time, the clinical significance of this alteration remains unclear.

Genome-Nilou Lab
Classification: Uncertain significance for Microcephaly, normal intelligence and immunodeficiency. Last evaluated: 2021-11-07. Review status: criteria provided, single submitter. Criteria: ACMG Guidelines, 2015. Collection method: clinical testing. Allele origin: germline. Affected: no.